The following is an entry in ClinVar:

NM_001458.5(FLNC):c.6335_6337del (p.Ile2112del)

Genes: FLNC (filamin C; plus strand), FLNC-AS1 (FLNC antisense RNA 1; minus strand). Cytogenetic location: 7q32.1.
Variant type: Deletion.
Coding change: c.6335_6337del on transcript NM_001458.5 (MANE Select); coding-DNA positions 6335 to 6337, 3 bases deleted (TCA; older notation c.6335_6337delTCA).
Protein change: p.Ile2112del; deletes isoleucine 2112.
Molecular consequence: inframe deletion.
Genome position (GRCh38, 1-based): chr7:128,853,595-128,853,597, TCA deleted; deleting any 3 consecutive bases within chr7:128,853,593-128,853,597 gives the same sequence; the c. name uses the placement nearest the transcript's 3' end. VCF-style (leftmost placement, unchanged base first): chr7-128853592-ACAT-A. GRCh37 (hg19) VCF-style: chr7-128493646-ACAT-A.
Other names: c.6236_6238del, p.Ile2079del (NM_001127487.2); short protein forms I2079del, I2112del.
Identifiers: ClinVar variation 1307478 (VCV001307478.2), dbSNP rs2128939129, ClinGen allele CA2573052817.

ClinVar aggregate classification (germline): Uncertain significance (1 of 4 stars; one submission).

Submission:

GeneDx
Classification: Uncertain significance. Last evaluated: 2019-03-12. Review status: criteria provided, single submitter. Criteria: GeneDx Variant Classification Process June 2021. Collection method: clinical testing. Allele origin: germline. Affected: yes.
Comment: Has not been previously published as pathogenic or benign to our knowledge; Not observed in large population cohorts (Lek et al., 2016); In silico analysis, which includes protein predictors and evolutionary conservation, supports a deleterious effect